The following is an entry in ClinVar:

ClinVar aggregate classification (germline): Uncertain significance. Review status: criteria provided, multiple submitters, no conflicts (2 of 4 stars). 2 submissions from 2 submitters: Uncertain significance (2). Last evaluated 2024-12-07.

Conditions:
Inborn genetic diseases. Identifiers: MedGen C0950123, MeSH D030342.
Carnitine palmitoyl transferase 1A deficiency. Also called: Carnitine palmitoyltransferase 1A deficiency; CPT deficiency, hepatic, type IA; Carnitine palmitoyltransferase type I deficiency; CPT I DEFICIENCY; CPT DEFICIENCY, HEPATIC, TYPE I. Identifiers: Orphanet 156, MedGen C1829703, MONDO:0009705, OMIM 255120.

Allele frequency attached by ClinVar (database versions not stated): TOPMed 0.00001; ExAC 0.00002.
gnomAD v4.1: 3 of 1,614,142 alleles (0.00019%); highest among the groups gnomAD compares: East Asian, 0.0067%; no homozygotes.

Submissions (2):

Labcorp Genetics (formerly Invitae), Labcorp
Classification: Uncertain significance for Carnitine palmitoyl transferase 1A deficiency. Last evaluated: 2024-12-07. Review status: criteria provided, single submitter. Criteria: Invitae Variant Classification Sherloc (09022015). Collection method: clinical testing. Allele origin: germline.
Comment: This sequence change replaces proline, which is neutral and non-polar, with serine, which is neutral and polar, at codon 59 of the CPT1A protein (p.Pro59Ser). This variant is present in population databases (rs780084139, gnomAD 0.01%). This variant has not been reported in the literature in individuals affected with CPT1A-related conditions. ClinVar contains an entry for this variant (Variation ID: 2547837). Invitae Evidence Modeling of protein sequence and biophysical properties (such as structural, functional, and spatial information, amino acid conservation, physicochemical variation, residue mobility, and thermodynamic stability) has been performed for this missense variant. However, the output from this modeling did not meet the statistical confidence thresholds required to predict the impact of this variant on CPT1A protein function. In summary, the available evidence is currently insufficient to determine the role of this variant in disease. Therefore, it has been classified as a Variant of Uncertain Significance.

Ambry Genetics
Classification: Uncertain significance for Inborn genetic diseases. Last evaluated: 2023-05-17. Review status: criteria provided, single submitter. Criteria: Ambry Variant Classification Scheme 2023. Collection method: clinical testing. Allele origin: germline.

NM_001876.4(CPT1A):c.175C>T (p.Pro59Ser)

Gene: CPT1A (carnitine palmitoyltransferase 1A; minus strand). Cytogenetic location: 11q13.3.
Variant type: single nucleotide variant.
Coding change: c.175C>T on transcript NM_001876.4 (MANE Select); coding-DNA position 175, C replaced by T.
Protein change: p.Pro59Ser; replaces proline 59 with serine.
Molecular consequence: missense variant.
Genome position (GRCh38, 1-based): chr11:68,812,543, G>A on the plus strand (C>T on the coding strand, the complement: CPT1A is on the minus strand). VCF-style: chr11-68812543-G-A. GRCh37 (hg19) VCF-style: chr11-68580011-G-A.
Other names: c.175C>T, p.Pro59Ser (NM_001031847.3); short protein forms P59S.
Identifiers: ClinVar variation 2547837 (VCV002547837.4), dbSNP rs780084139, ClinGen allele CA6152754.